The following is an entry in ClinVar:

ClinVar aggregate classification (germline): Uncertain significance. Review status: criteria provided, multiple submitters, no conflicts (2 of 4 stars). 2 submissions from 2 submitters: Uncertain significance (2). Last evaluated 2025-01-27.

Conditions:
Inborn genetic diseases. Identifiers: MedGen C0950123, MeSH D030342.
SLC35A2-congenital disorder of glycosylation. Also called: EPILEPTIC ENCEPHALOPATHY, EARLY INFANTILE, 22; CONGENITAL DISORDER OF GLYCOSYLATION, TYPE IIm; CDG IIm; CONGENITAL DISORDER OF GLYCOSYLATION, TYPE IIm, SOMATIC MOSAIC; SLC35A2-CDG; DEVELOPMENTAL AND EPILEPTIC ENCEPHALOPATHY 22. Identifiers: Orphanet 356961, MedGen C3806688, MONDO:0010478, OMIM 300896.

Allele frequency attached by ClinVar (database versions not stated): gnomAD exomes below 0.00001.

Submissions (2):

Ambry Genetics
Classification: Uncertain significance for Inborn genetic diseases. Last evaluated: 2025-01-27. Review status: criteria provided, single submitter. Criteria: Ambry Variant Classification Scheme 2023. Collection method: clinical testing. Allele origin: germline.

Labcorp Genetics (formerly Invitae), Labcorp
Classification: Uncertain significance for SLC35A2-congenital disorder of glycosylation. Last evaluated: 2021-01-14. Review status: criteria provided, single submitter. Criteria: Invitae Variant Classification Sherloc (09022015). Collection method: clinical testing. Allele origin: germline.
Comment: Algorithms developed to predict the effect of missense changes on protein structure and function are either unavailable or do not agree on the potential impact of this missense change (SIFT: "Tolerated"; PolyPhen-2: "Not Available"; Align-GVGD: "Class C0"). In summary, the available evidence is currently insufficient to determine the role of this variant in disease. Therefore, it has been classified as a Variant of Uncertain Significance. This variant has not been reported in the literature in individuals with SLC35A2-related conditions. The frequency data for this variant in the population databases is considered unreliable, as metrics indicate insufficient coverage at this position in the ExAC database. This sequence change replaces alanine with serine at codon 11 of the SLC35A2 protein (p.Ala11Ser). The alanine residue is weakly conserved and there is a moderate physicochemical difference between alanine and serine.

NM_005660.3(SLC35A2):c.31G>T (p.Ala11Ser)

Gene: SLC35A2 (solute carrier family 35 member A2; minus strand). Cytogenetic location: Xp11.23.
Variant type: single nucleotide variant.
Coding change: c.31G>T on transcript NM_005660.3 (MANE Select); coding-DNA position 31, G replaced by T.
Protein change: p.Ala11Ser; replaces alanine 11 with serine.
Molecular consequence: missense variant. On other transcripts: intron variant (1).
Genome position (GRCh38, 1-based): chrX:48,911,606, C>A on the plus strand (G>T on the coding strand, the complement: SLC35A2 is on the minus strand). VCF-style: chrX-48911606-C-A. GRCh37 (hg19) VCF-style: chrX-48768883-C-A.
Other names: c.31G>T, p.Ala11Ser (NM_001032289.3, NM_001042498.3, NM_001282647.2 and 3 more transcripts); c.19+253G>T (NM_001282648.2); c.31G>T (NM_001042498.2); short protein forms A11S.
Identifiers: ClinVar variation 1364824 (VCV001364824.9), dbSNP rs927789077, ClinGen allele CA329102028.